The following is an entry in ClinVar:

ClinVar aggregate classification (germline): Likely benign (1 of 4 stars; one submission).

gnomAD v4.1: 87 of 1,614,006 alleles (0.0054%); highest among the groups gnomAD compares: Middle Eastern, 0.016%; no homozygotes.

Submission:

CeGaT Center for Human Genetics Tuebingen
Classification: Likely benign. Last evaluated: 2024-11-01. Review status: criteria provided, single submitter. Criteria: CeGaT Center For Human Genetics Tuebingen Variant Classification Criteria Version 2. Collection method: clinical testing. Allele origin: germline. Affected: yes. Observed: 1 variant allele.
Comment: GFRA1: BP4, BP7

NM_005264.8(GFRA1):c.519G>A (p.Ala173=)

Gene: GFRA1 (GDNF family receptor alpha 1; minus strand). Cytogenetic location: 10q25.3.
Variant type: single nucleotide variant.
Coding change: c.519G>A on transcript NM_005264.8 (MANE Select); coding-DNA position 519, G replaced by A.
Protein change: p.Ala173=; no amino-acid change (alanine 173 retained).
Molecular consequence: synonymous variant.
Genome position (GRCh38, 1-based): chr10:116,125,472, C>T on the plus strand (G>A on the coding strand, the complement: GFRA1 is on the minus strand). VCF-style: chr10-116125472-C-T. GRCh37 (hg19) VCF-style: chr10-117884983-C-T.
Other names: c.504G>A, p.Ala168= (NM_001145453.4, NM_001348096.3, NM_001382556.2 and 6 more transcripts); c.519G>A, p.Ala173= (NM_001348098.4); c.156G>A, p.Ala52= (NM_001348099.3).
Identifiers: ClinVar variation 3389043 (VCV003389043.14).